The following is an entry in ClinVar:

NM_001458.5(FLNC):c.4336G>C (p.Val1446Leu)

Gene: FLNC (filamin C; plus strand). Cytogenetic location: 7q32.1.
Variant type: single nucleotide variant.
Coding change: c.4336G>C on transcript NM_001458.5 (MANE Select); coding-DNA position 4336, G replaced by C.
Protein change: p.Val1446Leu; replaces valine 1446 with leucine.
Molecular consequence: missense variant.
Genome position (GRCh38, 1-based): chr7:128,847,744, G>C. VCF-style: chr7-128847744-G-C. GRCh37 (hg19) VCF-style: chr7-128487798-G-C.
Other names: c.4336G>C, p.Val1446Leu (NM_001127487.2); short protein forms V1446L.
Identifiers: ClinVar variation 4025621 (VCV004025621.1).

ClinVar aggregate classification (germline): Uncertain significance (1 of 4 stars; one submission).

Conditions:
Cardiovascular phenotype. Identifiers: MedGen CN230736.

Submission:

Ambry Genetics
Classification: Uncertain significance for Cardiovascular phenotype. Last evaluated: 2025-05-05. Review status: criteria provided, single submitter. Criteria: Ambry Variant Classification Scheme 2023. Collection method: clinical testing. Allele origin: germline.
Comment: The p.V1446L variant (also known as c.4336G>C), located in coding exon 25 of the FLNC gene, results from a G to C substitution at nucleotide position 4336. The valine at codon 1446 is replaced by leucine, an amino acid with highly similar properties. This amino acid position is conserved. In addition, this alteration is predicted to be deleterious by in silico analysis. Based on the available evidence, the clinical significance of this variant remains unclear.